The following is an entry in ClinVar:

NM_006231.4(POLE):c.5143del (p.Glu1715fs)

Gene: POLE (DNA polymerase epsilon, catalytic subunit; minus strand). Cytogenetic location: 12q24.33.
Variant type: Deletion.
Coding change: c.5143del on transcript NM_006231.4 (MANE Select); coding-DNA position 5143, one base deleted (G; older notation c.5143delG).
Protein change: p.Glu1715fs; shifts the reading frame from glutamic acid 1715.
Molecular consequence: frameshift variant.
Genome position (GRCh38, 1-based): chr12:132,642,207, C deleted on the plus strand (G on the coding strand, the reverse complement: POLE is on the minus strand). VCF-style (leftmost placement, unchanged base first): chr12-132642206-TC-T. GRCh37 (hg19) VCF-style: chr12-133218792-TC-T.
Other names: short protein forms E1715fs.
Identifiers: ClinVar variation 3935722 (VCV003935722.1).

ClinVar aggregate classification (germline): Uncertain significance (1 of 4 stars; one submission).

Conditions:
Hereditary cancer-predisposing syndrome. Also called: Tumor predisposition; Hereditary neoplastic syndrome; Hereditary Cancer Syndrome; Neoplastic Syndromes, Hereditary. Identifiers: Orphanet 140162, MedGen C0027672, MeSH D009386, MONDO:0015356.

Submission:

Ambry Genetics
Classification: Uncertain significance for Hereditary cancer-predisposing syndrome. Last evaluated: 2025-05-05. Review status: criteria provided, single submitter. Criteria: Ambry Variant Classification Scheme 2023. Collection method: clinical testing. Allele origin: germline.
Comment: The c.5143delG variant, located in coding exon 38 of the POLE gene, results from a deletion of one nucleotide at nucleotide position 5143, causing a translational frameshift with a predicted alternate stop codon (p.E1715Rfs*46). This alteration is expected to result in loss of function by premature protein truncation or nonsense-mediated mRNA decay. Although biallelic loss of function of POLE has been associated with autosomal recessive POLE deficiency, haploinsufficiency of POLE has not been established as a mechanism of disease for POLE-related polymerase proofreading-associated polyposis (PPAP) and POLE-related CMMRD-like syndrome. Based on the supporting evidence, this variant is expected to be causative of POLE deficiency when present along with a second pathogenic variant on the other allele; however, its clinical significance for PPAP and POLE-related CMMRD-like syndrome is unclear.